The following is an entry in ClinVar:

ClinVar aggregate classification (germline): Uncertain significance. Review status: criteria provided, multiple submitters, no conflicts (2 of 4 stars). 3 submissions from 3 submitters: Uncertain significance (3). Last evaluated 2025-06-28.

Conditions:
Familial thoracic aortic aneurysm and aortic dissection (TAAD). Also called: Thoracic aortic aneurysms and dissections. Identifiers: Orphanet 91387, MedGen C4707243, MONDO:0019625.
Aortic aneurysm, familial thoracic 4 (AAT4). Also called: AORTIC ANEURYSM/AORTIC DISSECTION AND PATENT DUCTUS ARTERIOSUS. Identifiers: MedGen C1851504, MONDO:0007568, OMIM 132900.

Allele frequency attached by ClinVar (database versions not stated): gnomAD exomes below 0.00001; ExAC 0.00001; TOPMed 0.00003.
gnomAD v4.1: 2 of 1,614,004 alleles (0.00012%); highest among the groups gnomAD compares: African/African-American, 0.0027%; no homozygotes.

Submissions (3):

Ambry Genetics
Classification: Uncertain significance for Familial thoracic aortic aneurysm and aortic dissection. Last evaluated: 2025-06-28. Review status: criteria provided, single submitter. Criteria: Ambry Variant Classification Scheme 2023. Collection method: clinical testing. Allele origin: germline.
Comment: The p.D612E variant (also known as c.1836C>A), located in coding exon 14 of the MYH11 gene, results from a C to A substitution at nucleotide position 1836. The aspartic acid at codon 612 is replaced by glutamic acid, an amino acid with highly similar properties. This amino acid position is conserved. In addition, the in silico prediction for this alteration is inconclusive. Based on the available evidence, the clinical significance of this variant remains unclear.

All of Us Research Program, National Institutes of Health
Classification: Uncertain significance for Familial thoracic aortic aneurysm and aortic dissection. Last evaluated: 2024-05-17. Review status: criteria provided, single submitter. Criteria: ACMG Guidelines, 2015. Collection method: clinical testing. Allele origin: germline. Inheritance: Autosomal dominant inheritance. Observed: 1 variant allele, 1 heterozygote.
Comment: This study involves interpretation of variants in research participants for the purpose of population health screening. Participant phenotype was not available at the time of variant classification. Additional details can be found in publication PMID: 35346344, PMCID: PMC8962531

Labcorp Genetics (formerly Invitae), Labcorp
Classification: Uncertain significance for Aortic aneurysm, familial thoracic 4. Last evaluated: 2022-08-09. Review status: criteria provided, single submitter. Criteria: Invitae Variant Classification Sherloc (09022015). Collection method: clinical testing. Allele origin: germline.
Comment: This variant is present in population databases (rs757513207, gnomAD 0.007%). In summary, the available evidence is currently insufficient to determine the role of this variant in disease. Therefore, it has been classified as a Variant of Uncertain Significance. Algorithms developed to predict the effect of missense changes on protein structure and function are either unavailable or do not agree on the potential impact of this missense change (SIFT: "Deleterious"; PolyPhen-2: "Benign"; Align-GVGD: "Class C0"). This variant has not been reported in the literature in individuals affected with MYH11-related conditions. This sequence change replaces aspartic acid, which is acidic and polar, with glutamic acid, which is acidic and polar, at codon 619 of the MYH11 protein (p.Asp619Glu).

NM_002474.3(MYH11):c.1836C>A (p.Asp612Glu)

Gene: MYH11 (myosin heavy chain 11; minus strand). Cytogenetic location: 16p13.11.
Variant type: single nucleotide variant.
Coding change: c.1836C>A on transcript NM_002474.3 (MANE Select); coding-DNA position 1836, C replaced by A.
Protein change: p.Asp612Glu; replaces aspartic acid 612 with glutamic acid.
Molecular consequence: missense variant.
Genome position (GRCh38, 1-based): chr16:15,753,422, G>T on the plus strand (C>A on the coding strand, the complement: MYH11 is on the minus strand). VCF-style: chr16-15753422-G-T. GRCh37 (hg19) VCF-style: chr16-15847279-G-T.
Other names: c.1836C>A (NM_002474.2); c.1857C>A, p.Asp619Glu (NM_001040113.2, NM_001040114.2); c.1836C>A, p.Asp612Glu (NM_022844.3); short protein forms D612E, D619E.
Identifiers: ClinVar variation 2148452 (VCV002148452.4), dbSNP rs757513207, ClinGen allele CA7922502.